The following is an entry in ClinVar:

ClinVar aggregate classification (germline): Uncertain significance (1 of 4 stars; one submission).

Conditions:
Hereditary spastic paraplegia 54. Also called: Spastic paraplegia 54, autosomal recessive. Identifiers: Orphanet 320380, MedGen C3539495, MONDO:0014018, OMIM 615033.

gnomAD v4.1: 1 of 1,606,434 alleles (0.000062%); highest among the groups gnomAD compares: Non-Finnish European, 0.000085%; no homozygotes.

Submission:

Labcorp Genetics (formerly Invitae), Labcorp
Classification: Uncertain significance for Hereditary spastic paraplegia 54. Last evaluated: 2024-02-26. Review status: criteria provided, single submitter. Criteria: Invitae Variant Classification Sherloc (09022015). Collection method: clinical testing. Allele origin: germline.
Comment: This sequence change replaces isoleucine, which is neutral and non-polar, with threonine, which is neutral and polar, at codon 213 of the DDHD2 protein (p.Ile213Thr). This variant is not present in population databases (gnomAD no frequency). This variant has not been reported in the literature in individuals affected with DDHD2-related conditions. ClinVar contains an entry for this variant (Variation ID: 2142731). Advanced modeling of protein sequence and biophysical properties (such as structural, functional, and spatial information, amino acid conservation, physicochemical variation, residue mobility, and thermodynamic stability) performed at Invitae indicates that this missense variant is not expected to disrupt DDHD2 protein function with a negative predictive value of 80%. In summary, the available evidence is currently insufficient to determine the role of this variant in disease. Therefore, it has been classified as a Variant of Uncertain Significance.

NM_015214.3(DDHD2):c.638T>C (p.Ile213Thr)

Gene: DDHD2 (DDHD domain containing 2; plus strand). Cytogenetic location: 8p11.23.
Variant type: single nucleotide variant.
Coding change: c.638T>C on transcript NM_015214.3 (MANE Select); coding-DNA position 638, T replaced by C.
Protein change: p.Ile213Thr; replaces isoleucine 213 with threonine.
Molecular consequence: missense variant. On other transcripts: non-coding transcript variant (2), intron variant (1).
Genome position (GRCh38, 1-based): chr8:38,240,290, T>C. VCF-style: chr8-38240290-T-C. GRCh37 (hg19) VCF-style: chr8-38097808-T-C.
Other names: c.638T>C, p.Ile213Thr (NM_001164232.2, NM_001362911.2, NM_001362912.2 and 1 more transcripts); c.623-1960T>C (NM_001362913.2); short protein forms I213T.
Identifiers: ClinVar variation 2142731 (VCV002142731.4), dbSNP rs970900391, ClinGen allele CA370717584.
Genomic context (GRCh38, chr8:38,240,290, plus strand): 5'-ATGACTAATTATACAGAATAATTTTCTTTTTAATTTCATTTATAGGAGAACCTTTACAAA[T>C]AGATCACTTGGTTTTTGTAGTCCATGGGATTGGACCAGCTTGTGATCTCCGCTTTCGAAG-3'
Protein context (NP_056029.2, residues 203-223): VDIHCGEPLQ[Ile213Thr]DHLVFVVHGI